The following is an entry in ClinVar:

ClinVar aggregate classification (germline): Uncertain significance (1 of 4 stars; one submission).

Allele frequency attached by ClinVar (database versions not stated): gnomAD exomes below 0.00001.
gnomAD v4.1: 3 of 1,614,006 alleles (0.00019%); highest among the groups gnomAD compares: South Asian, 0.0011%; no homozygotes.

Submission:

Labcorp Genetics (formerly Invitae), Labcorp
Classification: Uncertain significance. Last evaluated: 2021-09-14. Review status: criteria provided, single submitter. Criteria: Invitae Variant Classification Sherloc (09022015). Collection method: clinical testing. Allele origin: germline.
Comment: In summary, the available evidence is currently insufficient to determine the role of this variant in disease. Therefore, it has been classified as a Variant of Uncertain Significance. Algorithms developed to predict the effect of missense changes on protein structure and function are either unavailable or do not agree on the potential impact of this missense change (SIFT: "Deleterious"; PolyPhen-2: "Probably Damaging"; Align-GVGD: "Class C0"). This variant has not been reported in the literature in individuals affected with RIMS1-related conditions. This variant is not present in population databases (ExAC no frequency). This sequence change replaces aspartic acid with valine at codon 60 of the RIMS1 protein (p.Asp60Val). The aspartic acid residue is weakly conserved and there is a large physicochemical difference between aspartic acid and valine.

NM_014989.7(RIMS1):c.179A>T (p.Asp60Val)

Gene: RIMS1 (regulating synaptic membrane exocytosis 1; plus strand). Cytogenetic location: 6q13.
Variant type: single nucleotide variant.
Coding change: c.179A>T on transcript NM_014989.7 (MANE Select); coding-DNA position 179, A replaced by T.
Protein change: p.Asp60Val; replaces aspartic acid 60 with valine.
Molecular consequence: missense variant. On other transcripts: intron variant (1).
Genome position (GRCh38, 1-based): chr6:71,968,997, A>T. VCF-style: chr6-71968997-A-T. GRCh37 (hg19) VCF-style: chr6-72678700-A-T.
Other names: c.179A>T, p.Asp60Val (NM_001350411.1, NM_001350413.1); c.164+81810A>T (NM_001350412.1); short protein forms D60V.
Identifiers: ClinVar variation 1469583 (VCV001469583.6), dbSNP rs1488436859, ClinGen allele CA364818049.